The following is an entry in ClinVar:

NM_000135.4(FANCA):c.236A>G (p.Asp79Gly)

Gene: FANCA (FA complementation group A; minus strand). Cytogenetic location: 16q24.3.
Variant type: single nucleotide variant.
Coding change: c.236A>G on transcript NM_000135.4 (MANE Select); coding-DNA position 236, A replaced by G.
Protein change: p.Asp79Gly; replaces aspartic acid 79 with glycine.
Molecular consequence: missense variant.
Genome position (GRCh38, 1-based): chr16:89,814,567, T>C on the plus strand (A>G on the coding strand, the complement: FANCA is on the minus strand). VCF-style: chr16-89814567-T-C. GRCh37 (hg19) VCF-style: chr16-89880975-T-C.
Other names: c.236A>G, p.Asp79Gly (NM_001018112.3, NM_001286167.3, NM_001351830.2); short protein forms D79G.
Identifiers: ClinVar variation 4843032 (VCV004843032.1).
Genomic context (GRCh38, chr16:89,814,567, plus strand): 5'-AGCTATAACTTACCTATAAATGAACTAGAATGATTAGCATAGGCCTCAGAACTGTCACAG[T>C]CAATCACTTTGCTGAGAGACAATTTTTTACACAGTGGACCTTCTACCTAGAATCCAAAAC-3'
Protein context (NP_000126.2, residues 69-89): CKKLSLSKVI[Asp79Gly]CDSSEAYANH

ClinVar aggregate classification (germline): Uncertain significance (1 of 4 stars; one submission).

Conditions:
Inborn genetic diseases. Identifiers: MedGen C0950123, MeSH D030342.

Submission:

Ambry Genetics
Classification: Uncertain significance for Inborn genetic diseases. Last evaluated: 2026-01-05. Review status: criteria provided, single submitter. Criteria: Ambry Variant Classification Scheme 2023. Collection method: clinical testing. Allele origin: germline.
Comment: The p.D79G variant (also known as c.236A>G), located in coding exon 3 of the FANCA gene, results from an A to G substitution at nucleotide position 236. The aspartic acid at codon 79 is replaced by glycine, an amino acid with similar properties. This amino acid position is conserved. In addition, this alteration is predicted to be tolerated by in silico analysis. Based on the available evidence, the clinical significance of this variant remains unclear.